The following is an entry in ClinVar:

ClinVar aggregate classification (germline): Pathogenic/Likely pathogenic. Review status: criteria provided, multiple submitters, no conflicts (2 of 4 stars). 2 submissions from 2 submitters: Pathogenic (1); Likely pathogenic (1). Last evaluated 2025-04-17.

Conditions:
RCBTB1-related disorder. Also called: RCBTB1-related condition.

Allele frequency attached by ClinVar (database versions not stated): gnomAD exomes 0.00001.
gnomAD v4.1: 12 of 1,610,712 alleles (0.00075%); highest among the groups gnomAD compares: Non-Finnish European, 0.00093%; no homozygotes.

Submissions (2):

Labcorp Genetics (formerly Invitae), Labcorp
Classification: Pathogenic. Last evaluated: 2025-04-17. Review status: criteria provided, single submitter. Criteria: Invitae Variant Classification Sherloc (09022015). Collection method: clinical testing. Allele origin: germline.
Comment: This sequence change creates a premature translational stop signal (p.Trp343*) in the RCBTB1 gene. It is expected to result in an absent or disrupted protein product. Loss-of-function variants in RCBTB1 are known to be pathogenic (PMID: 31494449). This variant is not present in population databases (gnomAD no frequency). This variant has not been reported in the literature in individuals affected with RCBTB1-related conditions. ClinVar contains an entry for this variant (Variation ID: 1074907). For these reasons, this variant has been classified as Pathogenic.

Blueprint Genetics
Classification: Likely pathogenic for RCBTB1-related disorders. Last evaluated: 2020-06-29. Review status: criteria provided, single submitter. Criteria: ACMG Guidelines, 2015. Collection method: clinical testing. Allele origin: germline. Affected: yes. Observed: 3 variant alleles.

Literature cited by the submitters: PubMed 31494449 (cited by Labcorp Genetics (formerly Invitae), Labcorp).

NM_018191.4(RCBTB1):c.1028G>A (p.Trp343Ter)

Gene: RCBTB1 (RCC1 and BTB domain containing protein 1; minus strand). Cytogenetic location: 13q14.2.
Variant type: single nucleotide variant.
Coding change: c.1028G>A on transcript NM_018191.4 (MANE Select); coding-DNA position 1028, G replaced by A.
Protein change: p.Trp343Ter; replaces tryptophan 343 with a stop codon.
Molecular consequence: nonsense. On other transcripts: non-coding transcript variant (2).
Genome position (GRCh38, 1-based): chr13:49,549,475, C>T on the plus strand (G>A on the coding strand, the complement: RCBTB1 is on the minus strand). VCF-style: chr13-49549475-C-T. GRCh37 (hg19) VCF-style: chr13-50123611-C-T.
Other names: c.1028G>A, p.Trp343Ter (NM_001352500.2, NM_001352501.2, NM_001352502.2 and 3 more transcripts); c.449G>A, p.Trp150Ter (NM_001352506.2); short protein forms W150*, W343*.
Identifiers: ClinVar variation 1074907 (VCV001074907.6), dbSNP rs1961131363, ClinGen allele CA388189276.
Genomic context (GRCh38, chr13:49,549,475, plus strand): 5'-AGTACCATTCTTCCTGGGTGGAGGTGGCCCTGCACTTTCTTACCCACAGACAGGAGGCGC[C>T]ACGAGACGGCGGGAGTGGCAAAGCAGGCAAACACGTCGTCGGTGCAGGAGAAGTGGGTGA-3'